The following is an entry in ClinVar:

NM_001287491.2(TET3):c.1408G>A (p.Ala470Thr)

Gene: TET3 (tet methylcytosine dioxygenase 3; plus strand). Cytogenetic location: 2p13.1.
Variant type: single nucleotide variant.
Coding change: c.1408G>A on transcript NM_001287491.2 (MANE Select); coding-DNA position 1408, G replaced by A.
Protein change: p.Ala470Thr; replaces alanine 470 with threonine.
Molecular consequence: missense variant.
Genome position (GRCh38, 1-based): chr2:74,047,325, G>A. VCF-style: chr2-74047325-G-A. GRCh37 (hg19) VCF-style: chr2-74274452-G-A.
Other names: c.1129G>A, p.Ala377Thr (NM_001366022.1); short protein forms A377T, A470T.
Identifiers: ClinVar variation 4873195 (VCV004873195.2).

ClinVar aggregate classification (germline): Uncertain significance (1 of 4 stars; one submission).

gnomAD v4.1: 31 of 1,613,858 alleles (0.0019%); highest among the groups gnomAD compares: Non-Finnish European, 0.0024%; no homozygotes.

Submission:

CeGaT Center for Human Genetics Tuebingen
Classification: Uncertain significance. Last evaluated: 2026-05-01. Review status: criteria provided, single submitter. Criteria: CeGaT Center For Human Genetics Tuebingen Variant Classification Criteria Version 2. Collection method: clinical testing. Allele origin: germline. Affected: yes. Observed: 1 variant allele.
Comment: TET3: PM2